The following is an entry in ClinVar:

ClinVar aggregate classification (germline): Uncertain significance. Review status: criteria provided, multiple submitters, no conflicts (2 of 4 stars). 2 submissions from 2 submitters: Uncertain significance (2). Last evaluated 2025-08-29.

Allele frequency attached by ClinVar (database versions not stated): ExAC 0.00002; gnomAD 0.00002; TOPMed 0.00003.
gnomAD v4.1: 23 of 1,612,992 alleles (0.0014%); highest among the groups gnomAD compares: Admixed American, 0.032%; no homozygotes.

Submissions (2):

Labcorp Genetics (formerly Invitae), Labcorp
Classification: Uncertain significance. Last evaluated: 2025-08-29. Review status: criteria provided, single submitter. Criteria: Invitae Variant Classification Sherloc (09022015). Collection method: clinical testing. Allele origin: germline.
Comment: This sequence change replaces threonine, which is neutral and polar, with isoleucine, which is neutral and non-polar, at codon 254 of the NIN protein (p.Thr254Ile). This variant is present in population databases (rs763649700, gnomAD 0.04%). This variant has not been reported in the literature in individuals affected with NIN-related conditions. ClinVar contains an entry for this variant (Variation ID: 2420669). An algorithm developed to predict the effect of missense changes on protein structure and function (PolyPhen-2) suggests that this variant is likely to be tolerated. In summary, the available evidence is currently insufficient to determine the role of this variant in disease. Therefore, it has been classified as a Variant of Uncertain Significance.

Ambry Genetics
Classification: Uncertain significance. Last evaluated: 2024-11-26. Review status: criteria provided, single submitter. Criteria: Ambry Variant Classification Scheme 2023. Collection method: clinical testing. Allele origin: germline.

NM_020921.4(NIN):c.761C>T (p.Thr254Ile)

Gene: NIN (ninein; minus strand). Cytogenetic location: 14q22.1.
Variant type: single nucleotide variant.
Coding change: c.761C>T on transcript NM_020921.4 (MANE Select); coding-DNA position 761, C replaced by T.
Protein change: p.Thr254Ile; replaces threonine 254 with isoleucine.
Molecular consequence: missense variant.
Genome position (GRCh38, 1-based): chr14:50,773,001, G>A on the plus strand (C>T on the coding strand, the complement: NIN is on the minus strand). VCF-style: chr14-50773001-G-A. GRCh37 (hg19) VCF-style: chr14-51239719-G-A.
Other names: c.761C>T, p.Thr254Ile (NM_016350.5, NM_182944.3, NM_182946.2); c.761C>T (NM_020921.3); short protein forms T254I.
Identifiers: ClinVar variation 2420669 (VCV002420669.7), dbSNP rs763649700, ClinGen allele CA7182366.
Genomic context (GRCh38, chr14:50,773,001, plus strand): 5'-TTTTTTACCTGCATGGAAAGGTGCCTTTTTAGTTGTCTATATGGAGTAGATGCTGATGGT[G>A]TAAGAGATTTTCCATTTTTAAACAAACCATAGAAAAAATCTTCTACACTCATTGTACCGT-3'
Protein context (NP_065972.4, residues 244-264): YGLFKNGKSL[Thr254Ile]PSASTPYRQL